The following is an entry in ClinVar:

NM_000038.6(APC):c.3227C>T (p.Pro1076Leu)

Gene: APC (APC regulator of Wnt signaling pathway; plus strand). Cytogenetic location: 5q22.2.
Variant type: single nucleotide variant.
Coding change: c.3227C>T on transcript NM_000038.6 (MANE Select); coding-DNA position 3227, C replaced by T.
Protein change: p.Pro1076Leu; replaces proline 1076 with leucine.
Molecular consequence: missense variant.
Genome position (GRCh38, 1-based): chr5:112,838,821, C>T. VCF-style: chr5-112838821-C-T. GRCh37 (hg19) VCF-style: chr5-112174518-C-T.
Other names: c.3227C>T, p.Pro1076Leu (NM_001127510.3, NM_001354895.2, NM_001407450.1); c.3173C>T, p.Pro1058Leu (NM_001127511.3); c.3281C>T, p.Pro1094Leu (NM_001354896.2, NM_001407447.1, NM_001407448.1 and 1 more transcripts); c.3257C>T, p.Pro1086Leu (NM_001354897.2); c.3152C>T, p.Pro1051Leu (NM_001354898.2); c.3143C>T, p.Pro1048Leu (NM_001354899.2); c.3104C>T, p.Pro1035Leu (NM_001354900.2); c.3050C>T, p.Pro1017Leu (NM_001354901.2, NM_001407453.1); and 12 more; short protein forms P1017L, P1048L, P1076L, P1086L, P1104L, P692L, P1051L, P1069L.
Identifiers: ClinVar variation 1904516 (VCV001904516.8), dbSNP rs766394131, ClinGen allele CA034715.

ClinVar aggregate classification (germline): Uncertain significance. Review status: criteria provided, multiple submitters, no conflicts (2 of 4 stars). 3 submissions from 3 submitters: Uncertain significance (3). Last evaluated 2025-12-23.

Conditions:
Hereditary cancer-predisposing syndrome. Also called: Tumor predisposition; Hereditary Cancer Syndrome; Hereditary neoplastic syndrome; Neoplastic Syndromes, Hereditary. Identifiers: Orphanet 140162, MedGen C0027672, MeSH D009386, MONDO:0015356.
Familial adenomatous polyposis 1 (FAP1). Also called: FAMILIAL ADENOMATOUS POLYPOSIS 1, ATTENUATED; POLYPOSIS, ADENOMATOUS INTESTINAL. Identifiers: MedGen C2713442, MONDO:0021056, OMIM 175100. Disease mechanism: loss of function.

Allele frequency attached by ClinVar (database versions not stated): ExAC 0.00001.
gnomAD v4.1: 1 of 1,614,142 alleles (0.000062%); highest among the groups gnomAD compares: Admixed American, 0.0017%; no homozygotes.

Submissions (3):

Ambry Genetics
Classification: Uncertain significance for Hereditary cancer-predisposing syndrome. Last evaluated: 2025-12-23. Review status: criteria provided, single submitter. Criteria: Ambry Variant Classification Scheme 2023. Collection method: clinical testing. Allele origin: germline.
Comment: The p.P1076L variant (also known as c.3227C>T), located in coding exon 15 of the APC gene, results from a C to T substitution at nucleotide position 3227. The proline at codon 1076 is replaced by leucine, an amino acid with similar properties. This amino acid position is conserved. In addition, in silico predictors for this gene do not accurately predict pathogenicity. Based on the available evidence, the clinical significance of this variant remains unclear.

Labcorp Genetics (formerly Invitae), Labcorp
Classification: Uncertain significance for Familial adenomatous polyposis 1. Last evaluated: 2024-08-13. Review status: criteria provided, single submitter. Criteria: Invitae Variant Classification Sherloc (09022015). Collection method: clinical testing. Allele origin: germline.
Comment: This sequence change replaces proline, which is neutral and non-polar, with leucine, which is neutral and non-polar, at codon 1076 of the APC protein (p.Pro1076Leu). This variant is present in population databases (rs766394131, gnomAD 0.003%). This variant has not been reported in the literature in individuals affected with APC-related conditions. ClinVar contains an entry for this variant (Variation ID: 1904516). Advanced modeling of protein sequence and biophysical properties (such as structural, functional, and spatial information, amino acid conservation, physicochemical variation, residue mobility, and thermodynamic stability) performed at Invitae indicates that this missense variant is not expected to disrupt APC protein function with a negative predictive value of 95%. In summary, the available evidence is currently insufficient to determine the role of this variant in disease. Therefore, it has been classified as a Variant of Uncertain Significance.

Color Diagnostics, LLC DBA Color Health
Classification: Uncertain significance for Hereditary cancer-predisposing syndrome. Last evaluated: 2021-08-30. Review status: criteria provided, single submitter. Criteria: ACMG Guidelines, 2015. Collection method: clinical testing. Allele origin: germline.
Comment: This missense variant replaces proline with leucine at codon 1076 of the APC protein. Computational prediction suggests that this variant may not impact protein structure and function (internally defined REVEL score threshold <= 0.5, PMID: 27666373). To our knowledge, functional studies have not been reported for this variant. This variant has not been reported in individuals affected with hereditary cancer in the literature. This variant has been identified in 1/250330 chromosomes in the general population by the Genome Aggregation Database (gnomAD). The available evidence is insufficient to determine the role of this variant in disease conclusively. Therefore, this variant is classified as a Variant of Uncertain Significance.